The following is an entry in ClinVar:

NM_000038.6(APC):c.7061C>G (p.Ala2354Gly)

Gene: APC (APC regulator of Wnt signaling pathway; plus strand). Cytogenetic location: 5q22.2.
Variant type: single nucleotide variant.
Coding change: c.7061C>G on transcript NM_000038.6 (MANE Select); coding-DNA position 7061, C replaced by G.
Protein change: p.Ala2354Gly; replaces alanine 2354 with glycine.
Molecular consequence: missense variant. On other transcripts: non-coding transcript variant (2).
Genome position (GRCh38, 1-based): chr5:112,842,655, C>G. VCF-style: chr5-112842655-C-G. GRCh37 (hg19) VCF-style: chr5-112178352-C-G.
Other names: c.7061C>G (NM_000038.5); c.7061C>G, p.Ala2354Gly (NM_001127510.3, NM_001354895.2, NM_001407450.1); c.7007C>G, p.Ala2336Gly (NM_001127511.3); c.7115C>G, p.Ala2372Gly (NM_001354896.2, NM_001407447.1, NM_001407448.1 and 1 more transcripts); c.7091C>G, p.Ala2364Gly (NM_001354897.2); c.6986C>G, p.Ala2329Gly (NM_001354898.2); c.6977C>G, p.Ala2326Gly (NM_001354899.2); c.6938C>G, p.Ala2313Gly (NM_001354900.2); and 12 more; short protein forms A2225G, A2228G, A2329G, A2071G, A2253G, A2271G, A2295G, A2313G.
Identifiers: ClinVar variation 2865701 (VCV002865701.4), dbSNP rs1426200650, ClinGen allele CA16036718.

ClinVar aggregate classification (germline): Uncertain significance. Review status: criteria provided, multiple submitters, no conflicts (2 of 4 stars). 2 submissions from 2 submitters: Uncertain significance (2). Last evaluated 2025-10-10.

Conditions:
Hereditary cancer-predisposing syndrome. Also called: Hereditary neoplastic syndrome; Tumor predisposition; Neoplastic Syndromes, Hereditary; Hereditary Cancer Syndrome. Identifiers: Orphanet 140162, MedGen C0027672, MeSH D009386, MONDO:0015356.
Familial adenomatous polyposis 1 (FAP1). Also called: FAMILIAL ADENOMATOUS POLYPOSIS 1, ATTENUATED; POLYPOSIS, ADENOMATOUS INTESTINAL. Identifiers: MedGen C2713442, MONDO:0021056, OMIM 175100. Disease mechanism: loss of function.

Submissions (2):

Ambry Genetics
Classification: Uncertain significance for Hereditary cancer-predisposing syndrome. Last evaluated: 2025-10-10. Review status: criteria provided, single submitter. Criteria: Ambry Variant Classification Scheme 2023. Collection method: clinical testing. Allele origin: germline.
Comment: The p.A2354G variant (also known as c.7061C>G), located in coding exon 15 of the APC gene, results from a C to G substitution at nucleotide position 7061. The alanine at codon 2354 is replaced by glycine, an amino acid with similar properties. This amino acid position is conserved. In addition, in silico predictors for this gene do not accurately predict pathogenicity. Based on the available evidence, the clinical significance of this variant remains unclear.

Labcorp Genetics (formerly Invitae), Labcorp
Classification: Uncertain significance for Familial adenomatous polyposis 1. Last evaluated: 2023-05-19. Review status: criteria provided, single submitter. Criteria: Invitae Variant Classification Sherloc (09022015). Collection method: clinical testing. Allele origin: germline.
Comment: In summary, the available evidence is currently insufficient to determine the role of this variant in disease. Therefore, it has been classified as a Variant of Uncertain Significance. Advanced modeling of protein sequence and biophysical properties (such as structural, functional, and spatial information, amino acid conservation, physicochemical variation, residue mobility, and thermodynamic stability) performed at Invitae indicates that this missense variant is not expected to disrupt APC protein function. This variant has not been reported in the literature in individuals affected with APC-related conditions. This variant is not present in population databases (gnomAD no frequency). This sequence change replaces alanine, which is neutral and non-polar, with glycine, which is neutral and non-polar, at codon 2354 of the APC protein (p.Ala2354Gly).